The following is an entry in ClinVar:

NC_000002.11:g.(?_27712462)_(27726506_?)dup

Genes: FNDC4 (fibronectin type III domain containing 4; minus strand), GCKR (glucokinase regulator; plus strand), IFT172 (intraflagellar transport 172; minus strand). Cytogenetic location: 2p23.3.
Variant type: Duplication.
Identifiers: ClinVar variation 2426209 (VCV002426209.4).

ClinVar aggregate classification (germline): Uncertain significance (1 of 4 stars; one submission).

Conditions:
Short-rib thoracic dysplasia 10 with or without polydactyly (SRTD10). Identifiers: Orphanet 474, MedGen C3810175, MONDO:0014284, OMIM 615630.
Retinitis pigmentosa 71 (RP71). Identifiers: Orphanet 791, MedGen C4225342, MONDO:0014618, OMIM 616394.

Submission:

Labcorp Genetics (formerly Invitae), Labcorp
Classification: Uncertain significance for Retinitis pigmentosa 71; Short-rib thoracic dysplasia 10 with or without polydactyly. Last evaluated: 2022-04-07. Review status: criteria provided, single submitter. Criteria: Invitae Variant Classification Sherloc (09022015). Collection method: clinical testing. Allele origin: germline.
Comment: In summary, the available evidence is currently insufficient to determine the role of this variant in disease. Therefore, it has been classified as a Variant of Uncertain Significance. This variant has not been reported in the literature in individuals affected with IFT172-related conditions. This variant results in a copy number gain of the genomic region encompassing exon(s) 1 of the IFT172 gene. This region includes the initiator codon of the gene. This copy number gain extends beyond the assayed region for this gene and therefore may encompass additional genes. As the precise location of this event is unknown, it may be in tandem or it may be located elsewhere in the genome.